The following is an entry in ClinVar:

ClinVar aggregate classification (germline): Uncertain significance (1 of 4 stars; one submission).

Conditions:
Multiple gastrointestinal atresias. Also called: FAMILIAL INTESTINAL POLYATRESIA SYNDROME; Multiple intestinal atresia. Identifiers: Orphanet 2300, MedGen C0220744, MONDO:0009465.

Allele frequency attached by ClinVar (database versions not stated): gnomAD 0.00001; TOPMed 0.00002.

Submission:

Labcorp Genetics (formerly Invitae), Labcorp
Classification: Uncertain significance for Multiple gastrointestinal atresias. Last evaluated: 2021-12-22. Review status: criteria provided, single submitter. Criteria: Invitae Variant Classification Sherloc (09022015). Collection method: clinical testing. Allele origin: germline.
Comment: This sequence change replaces histidine, which is basic and polar, with glutamine, which is neutral and polar, at codon 112 of the TTC7A protein (p.His112Gln). This variant is present in population databases (no rsID available, gnomAD 0.01%). This variant has not been reported in the literature in individuals affected with TTC7A-related conditions. ClinVar contains an entry for this variant (Variation ID: 659310). Algorithms developed to predict the effect of missense changes on protein structure and function (SIFT, PolyPhen-2, Align-GVGD) all suggest that this variant is likely to be tolerated. Algorithms developed to predict the effect of sequence changes on RNA splicing suggest that this variant may create or strengthen a splice site. In summary, the available evidence is currently insufficient to determine the role of this variant in disease. Therefore, it has been classified as a Variant of Uncertain Significance.

NM_020458.4(TTC7A):c.336T>G (p.His112Gln)

Gene: TTC7A (tetratricopeptide repeat domain 7A; plus strand). Cytogenetic location: 2p21.
Variant type: single nucleotide variant.
Coding change: c.336T>G on transcript NM_020458.4 (MANE Select); coding-DNA position 336, T replaced by G.
Protein change: p.His112Gln; replaces histidine 112 with glutamine.
Molecular consequence: missense variant. On other transcripts: 5 prime UTR variant (1).
Genome position (GRCh38, 1-based): chr2:46,950,514, T>G. VCF-style: chr2-46950514-T-G. GRCh37 (hg19) VCF-style: chr2-47177653-T-G.
Other names: c.336T>G, p.His112Gln (LRG_1323t1, NM_001288951.2); c.234T>G, p.His78Gln (NM_001288953.2); c.-569T>G (NM_001288955.2); short protein forms H112Q, H78Q.
Identifiers: ClinVar variation 659310 (VCV000659310.6), dbSNP rs750006009, ClinGen allele CA46619458.
Genomic context (GRCh38, chr2:46,950,514, plus strand): 5'-GGAGAAGAATGAGCCGAAGATGAGCGAAGCCAAAAATTATCTAAGCAGTATCCTTAACCA[T>G]GGGAGGCTCTCGGTAAGTCGTCAGCCTTCAAGCCTGAGACCTCCTCTCCTCGTCTGTCTT-3'
Protein context (NP_065191.2, residues 102-122): AKNYLSSILN[His112Gln]GRLSPQYMCE